The following is an entry in ClinVar:

NM_001042681.2(RERE):c.3739G>A (p.Gly1247Arg)

Gene: RERE (arginine-glutamic acid dipeptide repeats; minus strand). Cytogenetic location: 1p36.23.
Variant type: single nucleotide variant.
Coding change: c.3739G>A on transcript NM_001042681.2 (MANE Select); coding-DNA position 3739, G replaced by A.
Protein change: p.Gly1247Arg; replaces glycine 1247 with arginine.
Molecular consequence: missense variant.
Genome position (GRCh38, 1-based): chr1:8,358,796, C>T on the plus strand (G>A on the coding strand, the complement: RERE is on the minus strand). VCF-style: chr1-8358796-C-T. GRCh37 (hg19) VCF-style: chr1-8418856-C-T.
Other names: c.2077G>A, p.Gly693Arg (NM_001042682.2); c.3739G>A, p.Gly1247Arg (NM_012102.4); short protein forms G1247R, G693R.
Identifiers: ClinVar variation 2501194 (VCV002501194.1), dbSNP rs746770127, ClinGen allele CA570998.

ClinVar aggregate classification (germline): Uncertain significance (1 of 4 stars; one submission).

Allele frequency attached by ClinVar (database versions not stated): gnomAD exomes below 0.00001; ExAC 0.00001.
gnomAD v4.1: 5 of 1,612,436 alleles (0.00031%); highest among the groups gnomAD compares: East Asian, 0.0022%; no homozygotes.

Submission:

Women's Health and Genetics/Laboratory Corporation of America, LabCorp
Classification: Uncertain significance. Last evaluated: 2023-03-21. Review status: criteria provided, single submitter. Criteria: LabCorp Variant Classification Summary - May 2015. Collection method: clinical testing. Allele origin: germline.
Comment: Variant summary: RERE c.3739G>A (p.Gly1247Arg) results in a non-conservative amino acid change in the encoded protein sequence. Four of five in-silico tools predict a damaging effect of the variant on protein function. The variant allele was found at a frequency of 1.2e-05 in 249338 control chromosomes (gnomAD). The available data on variant occurrences in the general population are insufficient to allow any conclusion about variant significance. To our knowledge, no occurrence of c.3739G>A in individuals affected with Neurodevelopmental Disorder With Or Without Anomalies Of The Brain, Eye, Or Heart and no experimental evidence demonstrating its impact on protein function have been reported. No clinical diagnostic laboratories have submitted clinical-significance assessments for this variant to ClinVar after 2014. Based on the evidence outlined above, the variant was classified as uncertain significance.